The following is an entry in ClinVar:

NM_004281.4(BAG3):c.1422C>T (p.Ala474=)

Gene: BAG3 (BAG cochaperone 3; plus strand). Cytogenetic location: 10q26.11.
Variant type: single nucleotide variant.
Coding change: c.1422C>T on transcript NM_004281.4 (MANE Select); coding-DNA position 1422, C replaced by T.
Protein change: p.Ala474=; no amino-acid change (alanine 474 retained).
Molecular consequence: synonymous variant.
Genome position (GRCh38, 1-based): chr10:119,676,976, C>T. VCF-style: chr10-119676976-C-T. GRCh37 (hg19) VCF-style: chr10-121436488-C-T.
Identifiers: ClinVar variation 179626 (VCV000179626.16), dbSNP rs727505000, ClinGen allele CA184800.

ClinVar aggregate classification (germline): Likely benign. Review status: criteria provided, multiple submitters, no conflicts (2 of 4 stars). 3 submissions from 3 submitters: Likely benign (3). Last evaluated 2025-11-25.

Conditions:
Cardiovascular phenotype. Identifiers: MedGen CN230736.
Myofibrillar myopathy 6. Identifiers: Orphanet 199340, MedGen C2751831, MONDO:0013061, OMIM 612954.
Dilated cardiomyopathy 1HH (CMD1HH). Identifiers: Orphanet 154, MedGen C3151293, MONDO:0013479, OMIM 613881.

Allele frequency attached by ClinVar (database versions not stated): ExAC 0.00003; TOPMed 0.00003; gnomAD 0.00004 and 0.00006; gnomAD exomes 0.00004.
gnomAD v4.1: 51 of 1,614,004 alleles (0.0032%); highest among the groups gnomAD compares: Middle Eastern, 0.16%; no homozygotes.

Submissions (3):

Labcorp Genetics (formerly Invitae), Labcorp
Classification: Likely benign for Dilated cardiomyopathy 1HH; Myofibrillar myopathy 6. Last evaluated: 2025-11-25. Review status: criteria provided, single submitter. Criteria: Invitae Variant Classification Sherloc (09022015). Collection method: clinical testing. Allele origin: germline.

Ambry Genetics
Classification: Likely benign for Cardiovascular phenotype. Last evaluated: 2022-08-08. Review status: criteria provided, single submitter. Criteria: Ambry Variant Classification Scheme 2023. Collection method: clinical testing. Allele origin: germline.

Laboratory for Molecular Medicine, Mass General Brigham Personalized Medicine
Classification: Likely benign. Last evaluated: 2014-03-19. Review status: criteria provided, single submitter. Criteria: LMM Criteria. Collection method: clinical testing. Allele origin: germline. Observed: 1 variant allele.
Comment: Ala474Ala in exon 4 of BAG3: This variant is not expected to have clinical signi ficance because it does not alter an amino acid residue and is not located withi n the splice consensus sequence.